The following is an entry in ClinVar:

NM_001379451.1(BCORL1):c.1900C>T (p.Pro634Ser)

Gene: BCORL1 (BCL6 corepressor like 1; plus strand). Cytogenetic location: Xq26.1.
Variant type: single nucleotide variant.
Coding change: c.1900C>T on transcript NM_001379451.1 (MANE Select); coding-DNA position 1900, C replaced by T.
Protein change: p.Pro634Ser; replaces proline 634 with serine.
Molecular consequence: missense variant.
Genome position (GRCh38, 1-based): chrX:130,014,672, C>T. VCF-style: chrX-130014672-C-T. GRCh37 (hg19) VCF-style: chrX-129148648-C-T.
Other names: c.1900C>T, p.Pro634Ser (NM_001184772.3, NM_001379450.1, NM_021946.5); short protein forms P634S.
Identifiers: ClinVar variation 3603004 (VCV003603004.1).

ClinVar aggregate classification (germline): Uncertain significance (1 of 4 stars; one submission).

Submission:

GeneDx
Classification: Uncertain significance. Last evaluated: 2024-08-06. Review status: criteria provided, single submitter. Criteria: GeneDx Variant Classification Process June 2021. Collection method: clinical testing. Allele origin: germline. Affected: yes.
Comment: Not observed at significant frequency in large population cohorts (gnomAD); In silico analysis supports that this missense variant does not alter protein structure/function; Has not been previously published as pathogenic or benign to our knowledge